The following is an entry in ClinVar:

ClinVar aggregate classification (germline): Likely benign (0 of 4 stars; one submission).

Conditions:
NBEAL2-related disorder. Also called: NBEAL2-related condition.

Allele frequency attached by ClinVar (database versions not stated): gnomAD exomes 0.00005; ExAC 0.00020; 1000 Genomes Project 30x 0.00047; gnomAD 0.00052; ESP Exome Variant Server 0.00056; TOPMed 0.00059; 1000 Genomes Project 0.00060.
gnomAD v4.1: 164 of 1,612,794 alleles (0.01%); highest among the groups gnomAD compares: African/African-American, 0.19%; no homozygotes.

Submission:

PreventionGenetics, part of Exact Sciences
Classification: Likely benign for NBEAL2-related condition. Last evaluated: 2023-04-11. Review status: no assertion criteria provided. Collection method: clinical testing. Allele origin: germline.
Comment: This variant is classified as likely benign based on ACMG/AMP sequence variant interpretation guidelines (Richards et al. 2015 PMID: 25741868, with internal and published modifications).

NM_015175.3(NBEAL2):c.2738C>T (p.Pro913Leu)

Gene: NBEAL2 (neurobeachin like 2; plus strand). Cytogenetic location: 3p21.31.
Variant type: single nucleotide variant.
Coding change: c.2738C>T on transcript NM_015175.3 (MANE Select); coding-DNA position 2738, C replaced by T.
Protein change: p.Pro913Leu; replaces proline 913 with leucine.
Molecular consequence: missense variant.
Genome position (GRCh38, 1-based): chr3:46,997,347, C>T. VCF-style: chr3-46997347-C-T. GRCh37 (hg19) VCF-style: chr3-47038837-C-T.
Other names: c.2636C>T, p.Pro879Leu (NM_001365116.2); short protein forms P879L, P913L.
Identifiers: ClinVar variation 3051371 (VCV003051371.2), dbSNP rs200616995, ClinGen allele CA2360723.